The following is an entry in ClinVar:

ClinVar aggregate classification (germline): Conflicting classifications of pathogenicity. Review status: criteria provided, conflicting classifications (1 of 4 stars). 2 submissions from 2 submitters: Likely pathogenic (1); Uncertain significance (1). Last evaluated 2024-07-19.

Conditions:
USH2A-related disorder. Also called: USH2A-related disorders; USH2A-related condition. Identifiers: MedGen CN239332.

gnomAD v4.1: 1 of 1,613,278 alleles (0.000062%); highest among the groups gnomAD compares: South Asian, 0.0011%; no homozygotes.

Submissions (2):

Labcorp Genetics (formerly Invitae), Labcorp
Classification: Uncertain significance. Last evaluated: 2024-07-19. Review status: criteria provided, single submitter. Criteria: Invitae Variant Classification Sherloc (09022015). Collection method: clinical testing. Allele origin: germline.
Comment: This sequence change replaces tryptophan, which is neutral and slightly polar, with glycine, which is neutral and non-polar, at codon 3793 of the USH2A protein (p.Trp3793Gly). This variant is not present in population databases (gnomAD no frequency). This missense change has been observed in individual(s) with hearing loss (PMID: 27068579). Advanced modeling of protein sequence and biophysical properties (such as structural, functional, and spatial information, amino acid conservation, physicochemical variation, residue mobility, and thermodynamic stability) performed at Invitae indicates that this missense variant is expected to disrupt USH2A protein function with a positive predictive value of 95%. In summary, the available evidence is currently insufficient to determine the role of this variant in disease. Therefore, it has been classified as a Variant of Uncertain Significance.

Blueprint Genetics
Classification: Likely pathogenic for USH2A-related disorders. Last evaluated: 2021-06-23. Review status: criteria provided, single submitter. Criteria: ACMG Guidelines, 2015. Collection method: clinical testing. Allele origin: germline. Affected: yes. Observed: 1 variant allele.

Literature cited by the submitters: PubMed 27068579 (cited by Labcorp Genetics (formerly Invitae), Labcorp).

NM_206933.4(USH2A):c.11377T>G (p.Trp3793Gly)

Gene: USH2A (usherin; minus strand). Cytogenetic location: 1q41.
Variant type: single nucleotide variant.
Coding change: c.11377T>G on transcript NM_206933.4 (MANE Select); coding-DNA position 11377, T replaced by G.
Protein change: p.Trp3793Gly; replaces tryptophan 3793 with glycine.
Molecular consequence: missense variant.
Genome position (GRCh38, 1-based): chr1:215,758,607, A>C on the plus strand (T>G on the coding strand, the complement: USH2A is on the minus strand). VCF-style: chr1-215758607-A-C. GRCh37 (hg19) VCF-style: chr1-215931949-A-C.
Other names: short protein forms W3793G.
Identifiers: ClinVar variation 3720275 (VCV003720275.3).